The following is an entry in ClinVar:

ClinVar aggregate classification (germline): Uncertain significance (1 of 4 stars; one submission).

Conditions:
Inborn genetic diseases. Identifiers: MedGen C0950123, MeSH D030342.

Allele frequency attached by ClinVar (database versions not stated): gnomAD 0.00001; gnomAD exomes 0.00001.
gnomAD v4.1: 13 of 1,612,756 alleles (0.00081%); highest among the groups gnomAD compares: Non-Finnish European, 0.0011%; no homozygotes.

Submission:

Ambry Genetics
Classification: Uncertain significance for Inborn genetic diseases. Last evaluated: 2021-11-22. Review status: criteria provided, single submitter. Criteria: Ambry Variant Classification Scheme 2023. Collection method: clinical testing. Allele origin: germline.
Comment: The p.K1320R variant (also known as c.3959A>G), located in coding exon 22 of the ATR gene, results from an A to G substitution at nucleotide position 3959. The lysine at codon 1320 is replaced by arginine, an amino acid with highly similar properties. This amino acid position is conserved. In addition, this alteration is predicted to be tolerated by in silico analysis. Since supporting evidence is limited at this time, the clinical significance of this alteration remains unclear.

NM_001184.4(ATR):c.3959A>G (p.Lys1320Arg)

Gene: ATR (ATR checkpoint kinase; minus strand). Cytogenetic location: 3q23.
Variant type: single nucleotide variant.
Coding change: c.3959A>G on transcript NM_001184.4 (MANE Select); coding-DNA position 3959, A replaced by G.
Protein change: p.Lys1320Arg; replaces lysine 1320 with arginine.
Molecular consequence: missense variant.
Genome position (GRCh38, 1-based): chr3:142,524,186, T>C on the plus strand (A>G on the coding strand, the complement: ATR is on the minus strand). VCF-style: chr3-142524186-T-C. GRCh37 (hg19) VCF-style: chr3-142243028-T-C.
Other names: c.3767A>G, p.Lys1256Arg (NM_001354579.2); short protein forms K1320R, K1256R.
Identifiers: ClinVar variation 1736488 (VCV001736488.2), dbSNP rs2033274138, ClinGen allele CA354802880.